The following is an entry in ClinVar:

ClinVar aggregate classification (germline): Uncertain significance (1 of 4 stars; one submission).

Conditions:
Autosomal recessive limb-girdle muscular dystrophy type 2T. Also called: MUSCULAR DYSTROPHY-DYSTROGLYCANOPATHY, LIMB-GIRDLE, GMPPB-RELATED; MUSCULAR DYSTROPHY, LIMB-GIRDLE, TYPE 2T; Muscular dystrophy-dystroglycanopathy (limb-girdle), type c, 14; Limb-girdle muscular dystrophy-dystroglycanopathy, type C14. Identifiers: Orphanet 363623, MedGen C4518000, MONDO:0014142, OMIM 615352.
Muscular dystrophy-dystroglycanopathy (congenital with brain and eye anomalies), type A14. Also called: Muscular dystrophy-dystroglycanopathy (congenital with brain and eye anomalies), type a, 14; WALKER-WARBURG SYNDROME OR MUSCLE-EYE-BRAIN DISEASE, GMPPB-RELATED; Congenital Muscular Dystrophy-Dystroglycanopathy with Brain and Eye Anomalies Type A 14; Congenital muscular dystrophy-dystroglycanopathy with brain and eye anomalies, type A14. Identifiers: Orphanet 588, MedGen C3809216, MONDO:0014140, OMIM 615350.
Muscular dystrophy-dystroglycanopathy (congenital with impaired intellectual development), type B, 14. Also called: MUSCULAR DYSTROPHY, CONGENITAL, GMPPB-RELATED; Muscular dystrophy-dystroglycanopathy (congenital with intellectual disability), type B14; Congenital muscular dystrophy-dystroglycanopathy with mental retardation, type B14. Identifiers: MedGen C3809221, MONDO:0014141, OMIM 615351.

Submission:

Labcorp Genetics (formerly Invitae), Labcorp
Classification: Uncertain significance for Autosomal recessive limb-girdle muscular dystrophy type 2T; Muscular dystrophy-dystroglycanopathy (congenital with brain and eye anomalies), type A14; Muscular dystrophy-dystroglycanopathy (congenital with impaired intellectual development), type B, 14. Last evaluated: 2017-05-16. Review status: criteria provided, single submitter. Criteria: Invitae Variant Classification Sherloc (09022015). Collection method: clinical testing. Allele origin: germline.
Comment: This sequence change replaces isoleucine with methionine at codon 359 of the GMPPB protein (p.Ile359Met). The isoleucine residue is highly conserved and there is a small physicochemical difference between isoleucine and methionine. This variant is not present in population databases (ExAC no frequency) and has not been reported in the literature in individuals with a GMPPB-related disease. Algorithms developed to predict the effect of missense changes on protein structure and function do not agree on the potential impact of this missense change (SIFT: "Deleterious"; PolyPhen-2: "Probably Damaging"; Align-GVGD: "Class C0"). In summary, this variant is a novel missense change with uncertain impact on protein function. It has been classified as a Variant of Uncertain Significance.

NM_021971.4(GMPPB):c.1077C>G (p.Ile359Met)

Gene: GMPPB (GDP-mannose pyrophosphorylase B; minus strand). Cytogenetic location: 3p21.31.
Variant type: single nucleotide variant.
Coding change: c.1077C>G on transcript NM_021971.4 (MANE Select); coding-DNA position 1077, C replaced by G.
Protein change: p.Ile359Met; replaces isoleucine 359 with methionine.
Molecular consequence: missense variant.
Genome position (GRCh38, 1-based): chr3:49,721,758, G>C on the plus strand (C>G on the coding strand, the complement: GMPPB is on the minus strand). VCF-style: chr3-49721758-G-C. GRCh37 (hg19) VCF-style: chr3-49759191-G-C.
Other names: c.1158C>G, p.Ile386Met (NM_013334.4); short protein forms I386M, I359M.
Identifiers: ClinVar variation 474013 (VCV000474013.1), dbSNP rs1553691662, ClinGen allele CA352825821.